The following is an entry in ClinVar:

NM_177438.3(DICER1):c.5309A>T (p.Asp1770Val)

Gene: DICER1 (dicer 1, ribonuclease III; minus strand). Cytogenetic location: 14q32.13.
Variant type: single nucleotide variant.
Coding change: c.5309A>T on transcript NM_177438.3 (MANE Select); coding-DNA position 5309, A replaced by T.
Protein change: p.Asp1770Val; replaces aspartic acid 1770 with valine.
Molecular consequence: missense variant. On other transcripts: non-coding transcript variant (6).
Genome position (GRCh38, 1-based): chr14:95,093,943, T>A on the plus strand (A>T on the coding strand, the complement: DICER1 is on the minus strand). VCF-style: chr14-95093943-T-A. GRCh37 (hg19) VCF-style: chr14-95560280-T-A.
Other names: c.5309A>T, p.Asp1770Val (NM_001195573.1, NM_001271282.3, NM_001291628.2 and 8 more transcripts); c.5027A>T, p.Asp1676Val (NM_001395686.1); c.4904A>T, p.Asp1635Val (NM_001395687.1, NM_001395688.1, NM_001395689.1 and 1 more transcripts); c.4742A>T, p.Asp1581Val (NM_001395691.1); c.3626A>T, p.Asp1209Val (NM_001395697.1); short protein forms D1635V, D1770V, D1209V, D1581V, D1676V.
Identifiers: ClinVar variation 4011692 (VCV004011692.1).

ClinVar aggregate classification (germline): Uncertain significance (1 of 4 stars; one submission).

Conditions:
Hereditary cancer-predisposing syndrome. Also called: Tumor predisposition; Hereditary neoplastic syndrome; Neoplastic Syndromes, Hereditary; Hereditary Cancer Syndrome. Identifiers: Orphanet 140162, MedGen C0027672, MeSH D009386, MONDO:0015356.

Submission:

Ambry Genetics
Classification: Uncertain significance for Hereditary cancer-predisposing syndrome. Last evaluated: 2025-06-08. Review status: criteria provided, single submitter. Criteria: Ambry Variant Classification Scheme 2023. Collection method: clinical testing. Allele origin: germline.
Comment: The p.D1770V variant (also known as c.5309A>T), located in coding exon 23 of the DICER1 gene, results from an A to T substitution at nucleotide position 5309. The aspartic acid at codon 1770 is replaced by valine, an amino acid with highly dissimilar properties. This amino acid position is conserved. In addition, this alteration is predicted to be deleterious by in silico analysis. Based on the available evidence, the clinical significance of this variant remains unclear.